The following is an entry in ClinVar:

ClinVar aggregate classification (germline): Likely pathogenic (1 of 4 stars; one submission).

Conditions:
Alport syndrome. Also called: Hemorrhagic familial nephritis; Hemorrhagic hereditary nephritis; Congenital hereditary hematuria. Identifiers: Orphanet 63, MedGen C1567741, MONDO:0018965.

Submission:

Natera, Inc.
Classification: Likely pathogenic for Alport syndrome. Last evaluated: 2025-08-28. Review status: criteria provided, single submitter. Criteria: Natera Variant Classification Schema (03/2026). Collection method: clinical testing. Allele origin: germline.
Comment: The c.2933G>C variant in COL4A4 is a missense variant predicted to cause substitution of glycine to alanine at amino acid 978. This variant is rare in the general population with a frequency below the threshold expected for the associated phenotype(s). This variant is located in a functionally critical region of the protein. Computational prediction algorithms indicate this variant is likely to affect gene or protein function. Given the available evidence, this variant is classified as Likely Pathogenic.

NM_000092.5(COL4A4):c.2933G>C (p.Gly978Ala)

Gene: COL4A4 (collagen type IV alpha 4 chain; minus strand). Cytogenetic location: 2q36.3.
Variant type: single nucleotide variant.
Coding change: c.2933G>C on transcript NM_000092.5 (MANE Select); coding-DNA position 2933, G replaced by C.
Protein change: p.Gly978Ala; replaces glycine 978 with alanine.
Molecular consequence: missense variant.
Genome position (GRCh38, 1-based): chr2:227,052,340, C>G on the plus strand (G>C on the coding strand, the complement: COL4A4 is on the minus strand). VCF-style: chr2-227052340-C-G. GRCh37 (hg19) VCF-style: chr2-227917056-C-G.
Other names: short protein forms G978A.
Identifiers: ClinVar variation 4817321 (VCV004817321.1).